The following is an entry in ClinVar:

NM_001843.4(CNTN1):c.3037C>T (p.Leu1013Phe)

Gene: CNTN1 (contactin 1; plus strand). Cytogenetic location: 12q12.
Variant type: single nucleotide variant.
Coding change: c.3037C>T on transcript NM_001843.4 (MANE Select); coding-DNA position 3037, C replaced by T.
Protein change: p.Leu1013Phe; replaces leucine 1013 with phenylalanine.
Molecular consequence: missense variant.
Genome position (GRCh38, 1-based): chr12:41,070,015, C>T. VCF-style: chr12-41070015-C-T. GRCh37 (hg19) VCF-style: chr12-41463817-C-T.
Other names: c.3004C>T, p.Leu1002Phe (NM_175038.2); c.3037C>T (NM_001843.2); short protein forms L1013F, L1002F.
Identifiers: ClinVar variation 469423 (VCV000469423.17), dbSNP rs201778720, ClinGen allele CA6517293.
Genomic context (GRCh38, chr12:41,070,015, plus strand): 5'-GCAGGTGCACCCACCCTATCCCCAAGTCTTCTCGGCTTACTGCTGCCTGCCTTTGGCATC[C>T]TTGTCTACTTGGAATTCTGAATGTGTTGTGACAGCTGCTGTTCCCATCCCAGCTCAGAAG-3'
Protein context (NP_001834.2, residues 1003-1018): LGLLLPAFGI[Leu1013Phe]VYLEF

ClinVar aggregate classification (germline): Uncertain significance. Review status: criteria provided, multiple submitters, no conflicts (2 of 4 stars). 3 submissions from 3 submitters: Uncertain significance (3). Last evaluated 2025-11-08.

Conditions:
Compton-North congenital myopathy (CMYO12). Identifiers: Orphanet 210163, MedGen C2675527, MONDO:0012929, OMIM 612540.
Inborn genetic diseases. Identifiers: MedGen C0950123, MeSH D030342.

Allele frequency attached by ClinVar (database versions not stated): ESP Exome Variant Server 0.00008; gnomAD 0.00011; TOPMed 0.00011.
gnomAD v4.1: 460 of 1,613,932 alleles (0.029%); highest among the groups gnomAD compares: Non-Finnish European, 0.036%; no homozygotes.

Submissions (3):

Ambry Genetics
Classification: Uncertain significance for Inborn genetic diseases. Last evaluated: 2025-11-08. Review status: criteria provided, single submitter. Criteria: Ambry Variant Classification Scheme 2023. Collection method: clinical testing. Allele origin: germline.

GeneDx
Classification: Uncertain significance. Last evaluated: 2024-04-06. Review status: criteria provided, single submitter. Criteria: GeneDx Variant Classification Process June 2021. Collection method: clinical testing. Allele origin: germline. Affected: yes.
Comment: In silico analysis indicates that this missense variant does not alter protein structure/function; Has not been previously published as pathogenic or benign to our knowledge

Labcorp Genetics (formerly Invitae), Labcorp
Classification: Uncertain significance for Compton-North congenital myopathy. Last evaluated: 2022-08-28. Review status: criteria provided, single submitter. Criteria: Invitae Variant Classification Sherloc (09022015). Collection method: clinical testing. Allele origin: germline.
Comment: This sequence change replaces leucine, which is neutral and non-polar, with phenylalanine, which is neutral and non-polar, at codon 1013 of the CNTN1 protein (p.Leu1013Phe). This variant is present in population databases (rs201778720, gnomAD 0.02%). This variant has not been reported in the literature in individuals affected with CNTN1-related conditions. ClinVar contains an entry for this variant (Variation ID: 469423). Advanced modeling of protein sequence and biophysical properties (such as structural, functional, and spatial information, amino acid conservation, physicochemical variation, residue mobility, and thermodynamic stability) performed at Invitae indicates that this missense variant is not expected to disrupt CNTN1 protein function. In summary, the available evidence is currently insufficient to determine the role of this variant in disease. Therefore, it has been classified as a Variant of Uncertain Significance.